The following is an entry in ClinVar:

NM_000046.5(ARSB):c.223_232del (p.Leu75fs)

Genes: ARSB (arylsulfatase B; minus strand), LOC129994126 (ATAC-STARR-seq lymphoblastoid silent region 16127; plus strand). Cytogenetic location: 5q14.1.
Variant type: Deletion.
Coding change: c.223_232del on transcript NM_000046.5 (MANE Select); coding-DNA positions 223 to 232, 10 bases deleted (CTGGCGGCCG; older notation c.223_232delCTGGCGGCCG).
Protein change: p.Leu75fs; shifts the reading frame from leucine 75.
Molecular consequence: frameshift variant.
Genome position (GRCh38, 1-based): chr5:78,985,017-78,985,026, CGGCCGCCAG deleted on the plus strand (CTGGCGGCCG on the coding strand, the reverse complement: ARSB is on the minus strand); deleting any 10 consecutive bases within chr5:78,985,017-78,985,028 gives the same sequence; the c. name uses the placement nearest the transcript's 3' end. VCF-style (leftmost placement, unchanged base first): chr5-78985016-CCGGCCGCCAG-C. GRCh37 (hg19) VCF-style: chr5-78280839-CCGGCCGCCAG-C.
Other names: c.223_232del, p.Leu75fs (NM_198709.3); short protein forms L75fs.
Identifiers: ClinVar variation 559742 (VCV000559742.1), dbSNP rs1554032145, ClinGen allele CA658822941.

ClinVar aggregate classification (germline): Likely pathogenic (1 of 4 stars; one submission).

Conditions:
Mucopolysaccharidosis type 6 (MPS6). Also called: N-ACETYLGALACTOSAMINE-4-SULFATASE DEFICIENCY; MPS VI; MPS 6; Maroteaux Lamy syndrome; ARSB DEFICIENCY; ARYLSULFATASE B DEFICIENCY. Identifiers: Orphanet 583, MedGen C0026709, MONDO:0009661, OMIM 253200.

Submission:

Laboratory of Diagnosis and Therapy of Lysosomal Disorders, University of Padova
Classification: Likely pathogenic for Mucopolysaccharidosis type 6. Last evaluated: 2018-01-01. Review status: criteria provided, single submitter. Criteria: ACMG Guidelines, 2015. Collection method: curation. Allele origin: germline. Affected: yes.
Comment: Frameshift variant(PVS1); Absent from GnomAD (PM2)

Literature cited by the submitters: PubMed 8723688; PubMed 30118150.